The following is an entry in ClinVar:

ClinVar aggregate classification (germline): Uncertain significance (1 of 4 stars; one submission).

Submission:

CeGaT Center for Human Genetics Tuebingen
Classification: Uncertain significance. Last evaluated: 2022-11-01. Review status: criteria provided, single submitter. Criteria: CeGaT Center For Human Genetics Tuebingen Variant Classification Criteria Version 2. Collection method: clinical testing. Allele origin: germline. Affected: yes. Observed: 1 variant allele.
Comment: F12: PM2, BP4

NM_000505.4(F12):c.1492A>G (p.Thr498Ala)

Gene: F12 (coagulation factor XII; minus strand). Cytogenetic location: 5q35.3.
Variant type: single nucleotide variant.
Coding change: c.1492A>G on transcript NM_000505.4 (MANE Select); coding-DNA position 1492, A replaced by G.
Protein change: p.Thr498Ala; replaces threonine 498 with alanine.
Molecular consequence: missense variant.
Genome position (GRCh38, 1-based): chr5:177,403,293, T>C on the plus strand (A>G on the coding strand, the complement: F12 is on the minus strand). VCF-style: chr5-177403293-T-C. GRCh37 (hg19) VCF-style: chr5-176830294-T-C.
Other names: short protein forms T498A.
Identifiers: ClinVar variation 2656118 (VCV002656118.24), dbSNP rs2481038125, ClinGen allele CA362322721.
Genomic context (GRCh38, chr5:177,403,293, plus strand): 5'-GCCCCTAGCAGTTGTGCCTACCCTCGAACTGGTGGCCCCAGCCGGCCACCTGGCAGAGCG[T>C]GGTCTCGGAGGGTCGCGCGGCGCCGCTTGGCAGGCACACCGGCTGAACGTAAGGCGACAG-3'
Protein context (NP_000496.2, residues 488-508): PSGAARPSET[Thr498Ala]LCQVAGWGHQ